The following is an entry in ClinVar:

NM_001161352.2(KCNMA1):c.1860-3C>T

Gene: KCNMA1 (potassium calcium-activated channel subfamily M alpha 1; minus strand). Cytogenetic location: 10q22.3.
Variant type: single nucleotide variant.
Coding change: c.1860-3C>T on transcript NM_001161352.2 (MANE Select); 3 bases into the intron before coding-DNA position 1860, C replaced by T.
Molecular consequence: intron variant.
Genome position (GRCh38, 1-based): chr10:77,027,894, G>A on the plus strand (C>T on the coding strand, the complement: KCNMA1 is on the minus strand). VCF-style: chr10-77027894-G-A. GRCh37 (hg19) VCF-style: chr10-78787652-G-A.
Other names: c.1698-3C>T (NM_001271518.2); c.1860-3C>T (NM_001322832.2, NM_001410940.1, NM_001322829.2 and 8 more transcripts); c.1320-3C>T (NM_001322838.2).
Identifiers: ClinVar variation 2830022 (VCV002830022.3), dbSNP rs2551593854, ClinGen allele CA2609792409.
Genomic context (GRCh38, chr10:77,027,894, plus strand): 5'-GTTGGCAGACTTGTACTCAATGGCTATCATTAGGAGCTTGAGCTTCACAAAACACAGCCT[G>A]CAATGAGATGGAGAAGCCTCCCAATCAGTTCTTCTGAATGACCAGAGCCACATAACACAC-3'

ClinVar aggregate classification (germline): Uncertain significance (1 of 4 stars; one submission).

Conditions:
Generalized epilepsy-paroxysmal dyskinesia syndrome (PNKD3). Also called: Generalized epilepsy and paroxysmal dyskinesia; Paroxysmal nonkinesigenic dyskinesia, 3, with or without generalized epilepsy. Identifiers: Orphanet 79137, MedGen C5574945, MONDO:0012276, OMIM 609446.

Allele frequency attached by ClinVar (database versions not stated): gnomAD exomes below 0.00001.
gnomAD v4.1: 1 of 1,612,826 alleles (0.000062%); highest among the groups gnomAD compares: Non-Finnish European, 0.000085%; no homozygotes.

Submission:

Labcorp Genetics (formerly Invitae), Labcorp
Classification: Uncertain significance for Generalized epilepsy-paroxysmal dyskinesia syndrome. Last evaluated: 2023-10-05. Review status: criteria provided, single submitter. Criteria: Invitae Variant Classification Sherloc (09022015). Collection method: clinical testing. Allele origin: germline.
Comment: This sequence change falls in intron 15 of the KCNMA1 gene. It does not directly change the encoded amino acid sequence of the KCNMA1 protein. It affects a nucleotide within the consensus splice site. This variant is not present in population databases (gnomAD no frequency). This variant has not been reported in the literature in individuals affected with KCNMA1-related conditions. Variants that disrupt the consensus splice site are a relatively common cause of aberrant splicing (PMID: 17576681, 9536098). Algorithms developed to predict the effect of sequence changes on RNA splicing suggest that this variant may disrupt the consensus splice site. In summary, the available evidence is currently insufficient to determine the role of this variant in disease. Therefore, it has been classified as a Variant of Uncertain Significance.

Literature cited by the submitters: PubMed 17576681; PubMed 9536098.